The following is an entry in ClinVar:

ClinVar aggregate classification (germline): Uncertain significance. Review status: criteria provided, multiple submitters, no conflicts (2 of 4 stars). 2 submissions from 2 submitters: Uncertain significance (2). Last evaluated 2025-08-18.

Conditions:
Glycogen storage disease due to phosphoglycerate kinase 1 deficiency. Also called: PGK1 DEFICIENCY; PHOSPHOGLYCERATE KINASE 1 DEFICIENCY WITH LEVO-DOPA-RESPONSIVE PARKINSONISM. Identifiers: Orphanet 713, MedGen C1970848, MONDO:0010392, OMIM 300653.

Allele frequency attached by ClinVar (database versions not stated): TOPMed below 0.00001; ExAC 0.00001; ESP Exome Variant Server 0.00009; gnomAD 0.00002; gnomAD exomes 0.00002.
gnomAD v4.1: 19 of 1,208,351 alleles (0.0016%); highest among the groups gnomAD compares: Non-Finnish European, 0.0021%; no homozygotes.

Submissions (2):

Labcorp Genetics (formerly Invitae), Labcorp
Classification: Uncertain significance. Last evaluated: 2025-08-18. Review status: criteria provided, single submitter. Criteria: Invitae Variant Classification Sherloc (09022015). Collection method: clinical testing. Allele origin: germline.
Comment: This sequence change replaces leucine, which is neutral and non-polar, with methionine, which is neutral and non-polar, at codon 118 of the PGK1 protein (p.Leu118Met). This variant is present in population databases (rs374169747, gnomAD 0.001%). This variant has not been reported in the literature in individuals affected with PGK1-related conditions. ClinVar contains an entry for this variant (Variation ID: 2689687). Invitae Evidence Modeling of protein sequence and biophysical properties (such as structural, functional, and spatial information, amino acid conservation, physicochemical variation, residue mobility, and thermodynamic stability) indicates that this missense variant is not expected to disrupt PGK1 protein function with a negative predictive value of 80%. In summary, the available evidence is currently insufficient to determine the role of this variant in disease. Therefore, it has been classified as a Variant of Uncertain Significance.

Revvity Omics, Revvity
Classification: Uncertain significance for Glycogen storage disease due to phosphoglycerate kinase 1 deficiency. Last evaluated: 2023-05-09. Review status: criteria provided, single submitter. Criteria: ACMG Guidelines, 2015. Collection method: clinical testing. Allele origin: germline.

NM_000291.4(PGK1):c.352C>A (p.Leu118Met)

Gene: PGK1 (phosphoglycerate kinase 1; plus strand). Cytogenetic location: Xq21.1.
Variant type: single nucleotide variant.
Coding change: c.352C>A on transcript NM_000291.4 (MANE Select); coding-DNA position 352, C replaced by A.
Protein change: p.Leu118Met; replaces leucine 118 with methionine.
Molecular consequence: missense variant.
Genome position (GRCh38, 1-based): chrX:78,114,095, C>A. VCF-style: chrX-78114095-C-A. GRCh37 (hg19) VCF-style: chrX-77369592-C-A.
Other names: short protein forms L118M.
Identifiers: ClinVar variation 2689687 (VCV002689687.5), dbSNP rs374169747, ClinGen allele CA10459671.